The following is an entry in ClinVar:

ClinVar aggregate classification (germline): Uncertain significance (1 of 4 stars; one submission).

Conditions:
Fanconi anemia (FA). Also called: Fanconi's anemia. Identifiers: Orphanet 84, MedGen C0015625, MeSH D005199, MONDO:0019391.

Allele frequency attached by ClinVar (database versions not stated): gnomAD exomes below 0.00001; gnomAD 0.00001.

Submission:

Labcorp Genetics (formerly Invitae), Labcorp
Classification: Uncertain significance for Fanconi anemia. Last evaluated: 2025-03-31. Review status: criteria provided, single submitter. Criteria: Invitae Variant Classification Sherloc (09022015). Collection method: clinical testing. Allele origin: germline.
Comment: This sequence change replaces leucine, which is neutral and non-polar, with proline, which is neutral and non-polar, at codon 313 of the FANCI protein (p.Leu313Pro). This variant is not present in population databases (gnomAD no frequency). This variant has not been reported in the literature in individuals affected with FANCI-related conditions. ClinVar contains an entry for this variant (Variation ID: 2813208). Invitae Evidence Modeling of protein sequence and biophysical properties (such as structural, functional, and spatial information, amino acid conservation, physicochemical variation, residue mobility, and thermodynamic stability) indicates that this missense variant is expected to disrupt FANCI protein function with a positive predictive value of 80%. In summary, the available evidence is currently insufficient to determine the role of this variant in disease. Therefore, it has been classified as a Variant of Uncertain Significance.

NM_001113378.2(FANCI):c.938T>C (p.Leu313Pro)

Gene: FANCI (FA complementation group I; plus strand). Cytogenetic location: 15q26.1.
Variant type: single nucleotide variant.
Coding change: c.938T>C on transcript NM_001113378.2 (MANE Select); coding-DNA position 938, T replaced by C.
Protein change: p.Leu313Pro; replaces leucine 313 with proline.
Molecular consequence: missense variant.
Genome position (GRCh38, 1-based): chr15:89,273,432, T>C. VCF-style: chr15-89273432-T-C. GRCh37 (hg19) VCF-style: chr15-89816663-T-C.
Other names: c.659T>C, p.Leu220Pro (NM_001376910.1); c.938T>C, p.Leu313Pro (NM_001376911.1, NM_018193.3); short protein forms L220P, L313P.
Identifiers: ClinVar variation 2813208 (VCV002813208.3), dbSNP rs2053278992, ClinGen allele CA393741401.